The following is an entry in ClinVar:

ClinVar aggregate classification (germline): Uncertain significance (1 of 4 stars; one submission).

Conditions:
CABP4-related disorder. Also called: CABP4-related condition.

gnomAD v4.1: 13 of 1,611,768 alleles (0.00081%); highest among the groups gnomAD compares: South Asian, 0.0055%; no homozygotes.

Submission:

PreventionGenetics, part of Exact Sciences
Classification: Uncertain significance for CABP4-related condition. Last evaluated: 2025-10-05. Review status: criteria provided, single submitter. Criteria: ACMG Guidelines, 2015. Collection method: clinical testing. Allele origin: germline.
Comment: The CABP4 c.521C>T variant is predicted to result in the amino acid substitution p.Ser174Leu. To our knowledge, this variant has not been reported in the literature. This variant is reported in 0.0033% of alleles in individuals of South Asian descent in gnomAD. At this time, the clinical significance of this variant is uncertain due to the absence of conclusive functional and genetic evidence.

NM_145200.5(CABP4):c.521C>T (p.Ser174Leu)

Gene: CABP4 (calcium binding protein 4; plus strand). Cytogenetic location: 11q13.2.
Variant type: single nucleotide variant.
Coding change: c.521C>T on transcript NM_145200.5 (MANE Select); coding-DNA position 521, C replaced by T.
Protein change: p.Ser174Leu; replaces serine 174 with leucine.
Molecular consequence: missense variant.
Genome position (GRCh38, 1-based): chr11:67,456,422, C>T. VCF-style: chr11-67456422-C-T. GRCh37 (hg19) VCF-style: chr11-67223893-C-T.
Other names: c.206C>T, p.Ser69Leu (NM_001300895.3, NM_001300896.3, NM_001379183.1); short protein forms S69L, S174L.
Identifiers: ClinVar variation 4979294 (VCV004979294.1).